The following is an entry in ClinVar:

ClinVar aggregate classification (germline): Uncertain significance (1 of 4 stars; one submission).

Conditions:
Parkinson disease 18, autosomal dominant, susceptibility to. Identifiers: Orphanet 411602, MedGen C3280271, MONDO:0013653, OMIM 614251.

Submission:

Neuberg Centre For Genomic Medicine, NCGM
Classification: Uncertain significance for Parkinson disease 18, autosomal dominant, susceptibility to. Review status: criteria provided, single submitter. Criteria: ACMG Guidelines, 2015. Collection method: clinical testing. Allele origin: germline. Inheritance: Autosomal dominant inheritance. Affected: yes.
Comment: The missense variant c.1657A>Gp.Asn553Asp in EIF4G1 gene has not been reported previously as a pathogenic variant nor as a benign variant, to our knowledge. The p.Asn553Asp variant is novel not in any individuals in gnomAD Exomes and 1000 Genomes. This variant has not been reported to the ClinVar database. The amino acid change p.Asn553Asp in EIF4G1 is predicted as conserved by GERP++ and PhyloP across 100 vertebrates. The amino acid Asn at position 553 is changed to a Asp changing protein sequence and it might alter its composition and physico-chemical properties. For these reasons, this variant has been classified as Uncertain Significance VUS.

NM_198241.3(EIF4G1):c.1657A>G (p.Asn553Asp)

Gene: EIF4G1 (eukaryotic translation initiation factor 4 gamma 1; plus strand). Cytogenetic location: 3q27.1.
Variant type: single nucleotide variant.
Coding change: c.1657A>G on transcript NM_198241.3 (MANE Select); coding-DNA position 1657, A replaced by G.
Protein change: p.Asn553Asp; replaces asparagine 553 with aspartic acid.
Molecular consequence: missense variant.
Genome position (GRCh38, 1-based): chr3:184,322,592, A>G. VCF-style: chr3-184322592-A-G. GRCh37 (hg19) VCF-style: chr3-184040380-A-G.
Other names: c.1678A>G, p.Asn560Asp (NM_001194946.2, NM_001194947.2); c.1537A>G, p.Asn513Asp (NM_001291157.2); c.1069A>G, p.Asn357Asp (NM_004953.5); c.1657A>G, p.Asn553Asp (NM_182917.4); c.1165A>G, p.Asn389Asp (NM_198242.3); c.1396A>G, p.Asn466Asp (NM_198244.3); short protein forms N357D, N389D, N466D, N513D, N553D, N560D.
Identifiers: ClinVar variation 3234964 (VCV003234964.1), dbSNP rs2474067302, ClinGen allele CA355393259.